The following is an entry in ClinVar:

ClinVar aggregate classification (germline): Uncertain significance (1 of 4 stars; one submission).

Conditions:
Inborn genetic diseases. Identifiers: MedGen C0950123, MeSH D030342.

Submission:

Ambry Genetics
Classification: Uncertain significance for Inborn genetic diseases. Last evaluated: 2025-07-14. Review status: criteria provided, single submitter. Criteria: Ambry Variant Classification Scheme 2023. Collection method: clinical testing. Allele origin: germline.
Comment: The p.H644Q variant (also known as c.1932T>A), located in coding exon 11 of the FANCM gene, results from a T to A substitution at nucleotide position 1932. The histidine at codon 644 is replaced by glutamine, an amino acid with highly similar properties. This amino acid position is conserved. In addition, this alteration is predicted to be tolerated by in silico analysis. Based on the available evidence, the clinical significance of this variant remains unclear.

NM_020937.4(FANCM):c.1932T>A (p.His644Gln)

Gene: FANCM (FA complementation group M; plus strand). Cytogenetic location: 14q21.2.
Variant type: single nucleotide variant.
Coding change: c.1932T>A on transcript NM_020937.4 (MANE Select); coding-DNA position 1932, T replaced by A.
Protein change: p.His644Gln; replaces histidine 644 with glutamine.
Molecular consequence: missense variant.
Genome position (GRCh38, 1-based): chr14:45,167,093, T>A. VCF-style: chr14-45167093-T-A. GRCh37 (hg19) VCF-style: chr14-45636296-T-A.
Other names: c.1854T>A, p.His618Gln (NM_001308133.2); c.1932T>A, p.His644Gln (NM_001308134.2); short protein forms H644Q, H618Q.
Identifiers: ClinVar variation 4254591 (VCV004254591.1).